The following is an entry in ClinVar:

NM_002408.4(MGAT2):c.544C>G (p.Gln182Glu)

Gene: MGAT2 (alpha-1,6-mannosyl-glycoprotein 2-beta-N-acetylglucosaminyltransferase; plus strand). Cytogenetic location: 14q21.3.
Variant type: single nucleotide variant.
Coding change: c.544C>G on transcript NM_002408.4 (MANE Select); coding-DNA position 544, C replaced by G.
Protein change: p.Gln182Glu; replaces glutamine 182 with glutamic acid.
Molecular consequence: missense variant.
Genome position (GRCh38, 1-based): chr14:49,621,812, C>G. VCF-style: chr14-49621812-C-G. GRCh37 (hg19) VCF-style: chr14-50088530-C-G.
Other names: c.544C>G (NM_002408.3); short protein forms Q182E.
Identifiers: ClinVar variation 1053082 (VCV001053082.10), dbSNP rs746339246, ClinGen allele CA7172568.

ClinVar aggregate classification (germline): Uncertain significance. Review status: criteria provided, multiple submitters, no conflicts (2 of 4 stars). 2 submissions from 2 submitters: Uncertain significance (2). Last evaluated 2023-10-25.

Conditions:
Inborn genetic diseases. Identifiers: MedGen C0950123, MeSH D030342.
MGAT2-congenital disorder of glycosylation. Also called: CDG IIa; MGAT2-CDG; Congenital disorder of glycosylation, type IIa; MENTAL RETARDATION, GROWTH RETARDATION, PROMINENT COLUMELLA, AND OPEN MOUTH; Alkuraya syndrome. Identifiers: Orphanet 79329, MedGen C2931008, MONDO:0008908, OMIM 212066.

Allele frequency attached by ClinVar (database versions not stated): ExAC 0.00001; gnomAD 0.00001; TOPMed 0.00001; gnomAD exomes 0.00002 and 0.00003.

Submissions (2):

Ambry Genetics
Classification: Uncertain significance for Inborn genetic diseases. Last evaluated: 2023-10-25. Review status: criteria provided, single submitter. Criteria: Ambry Variant Classification Scheme 2023. Collection method: clinical testing. Allele origin: germline.

Labcorp Genetics (formerly Invitae), Labcorp
Classification: Uncertain significance for MGAT2-congenital disorder of glycosylation. Last evaluated: 2021-03-31. Review status: criteria provided, single submitter. Criteria: Invitae Variant Classification Sherloc (09022015). Collection method: clinical testing. Allele origin: germline.
Comment: This sequence change replaces glutamine with glutamic acid at codon 182 of the MGAT2 protein (p.Gln182Glu). The glutamine residue is highly conserved and there is a small physicochemical difference between glutamine and glutamic acid. In summary, the available evidence is currently insufficient to determine the role of this variant in disease. Therefore, it has been classified as a Variant of Uncertain Significance. Algorithms developed to predict the effect of missense changes on protein structure and function (SIFT, PolyPhen-2, Align-GVGD) all suggest that this variant is likely to be disruptive, but these predictions have not been confirmed by published functional studies and their clinical significance is uncertain. This variant has not been reported in the literature in individuals with MGAT2-related conditions. This variant is present in population databases (rs746339246, ExAC 0.009%).